The following is an entry in ClinVar:

ClinVar aggregate classification (germline): Uncertain significance. Review status: criteria provided, multiple submitters, no conflicts (2 of 4 stars). 2 submissions from 2 submitters: Uncertain significance (2). Last evaluated 2024-08-05.

Conditions:
Atrioventricular septal defect 4 (AVSD4). Identifiers: MedGen C3280781, MONDO:0013747, OMIM 614430.
Cardiovascular phenotype. Identifiers: MedGen CN230736.

Submissions (2):

Ambry Genetics
Classification: Uncertain significance for Cardiovascular phenotype. Last evaluated: 2024-08-05. Review status: criteria provided, single submitter. Criteria: Ambry Variant Classification Scheme 2023. Collection method: clinical testing. Allele origin: germline.

Labcorp Genetics (formerly Invitae), Labcorp
Classification: Uncertain significance for Atrioventricular septal defect 4. Last evaluated: 2021-12-14. Review status: criteria provided, single submitter. Criteria: Invitae Variant Classification Sherloc (09022015). Collection method: clinical testing. Allele origin: germline.
Comment: This variant has not been reported in the literature in individuals affected with GATA4-related conditions. In summary, the available evidence is currently insufficient to determine the role of this variant in disease. Therefore, it has been classified as a Variant of Uncertain Significance. Algorithms developed to predict the effect of missense changes on protein structure and function (SIFT, PolyPhen-2, Align-GVGD) all suggest that this variant is likely to be tolerated. This variant is not present in population databases (gnomAD no frequency). This sequence change replaces alanine, which is neutral and non-polar, with glutamic acid, which is acidic and polar, at codon 138 of the GATA4 protein (p.Ala138Glu).

NM_001308093.3(GATA4):c.413C>A (p.Ala138Glu)

Gene: GATA4 (GATA binding protein 4). Cytogenetic location: 8p23.1.
Variant type: single nucleotide variant.
Coding change: c.413C>A on transcript NM_001308093.3 (MANE Select); coding-DNA position 413, C replaced by A.
Protein change: p.Ala138Glu; replaces alanine 138 with glutamic acid.
Molecular consequence: missense variant. On other transcripts: intron variant (3).
Genome position (GRCh38, 1-based): chr8:11,708,725, C>A. VCF-style: chr8-11708725-C-A. GRCh37 (hg19) VCF-style: chr8-11566234-C-A.
Other names: c.413C>A, p.Ala138Glu (NM_002052.5); c.-6+7947C>A (NM_001308094.2); c.-3+711C>A (NM_001374274.1); c.-3+4421C>A (NM_001374273.1); c.413C>A (NM_002052.3); short protein forms A138E.
Identifiers: ClinVar variation 2042854 (VCV002042854.5), dbSNP rs2486781092, ClinGen allele CA370309570.
Genomic context (GRCh38, chr8:11,708,725, plus strand): 5'-CGGCCGCCGCCGCCGCTGCCGCGGCCCGGGAAGCTGCGGCCTACAGCAGTGGCGGCGGAG[C>A]GGCGGGTGCGGGCCTGGCGGGCCGCGAGCAGTACGGGCGCGCCGGCTTCGCGGGCTCCTA-3'
Protein context (NP_001295022.1, residues 128-148): EAAAYSSGGG[Ala138Glu]AGAGLAGREQ